The following is an entry in ClinVar:

NM_001363118.2(SLC52A2):c.719C>A (p.Ala240Glu)

Gene: SLC52A2 (solute carrier family 52 member 2; plus strand). Cytogenetic location: 8q24.3.
Variant type: single nucleotide variant.
Coding change: c.719C>A on transcript NM_001363118.2 (MANE Select); coding-DNA position 719, C replaced by A.
Protein change: p.Ala240Glu; replaces alanine 240 with glutamic acid.
Molecular consequence: missense variant. On other transcripts: non-coding transcript variant (1).
Genome position (GRCh38, 1-based): chr8:144,360,211, C>A. VCF-style: chr8-144360211-C-A. GRCh37 (hg19) VCF-style: chr8-145583871-C-A.
Other names: c.719C>A, p.Ala240Glu (NM_001253815.2, NM_001253816.2, NM_001363120.2 and 2 more transcripts); c.227C>A, p.Ala76Glu (NM_001363122.2); short protein forms A76E, A240E.
Identifiers: ClinVar variation 1405543 (VCV001405543.8), dbSNP rs1001418068, ClinGen allele CA187657356.

ClinVar aggregate classification (germline): Uncertain significance (1 of 4 stars; one submission).

Conditions:
Brown-Vialetto-van Laere syndrome 2. Also called: SPINOCEREBELLAR ATAXIA WITH BLINDNESS AND DEAFNESS 2; Riboflavin transporter deficiency type 2. Identifiers: Orphanet 572543, Orphanet 97229, MedGen C3553538, MONDO:0013867, OMIM 614707.

Submission:

Labcorp Genetics (formerly Invitae), Labcorp
Classification: Uncertain significance for Brown-Vialetto-van Laere syndrome 2. Last evaluated: 2025-02-19. Review status: criteria provided, single submitter. Criteria: Invitae Variant Classification Sherloc (09022015). Collection method: clinical testing. Allele origin: germline.
Comment: This sequence change replaces alanine, which is neutral and non-polar, with glutamic acid, which is acidic and polar, at codon 240 of the SLC52A2 protein (p.Ala240Glu). This variant is not present in population databases (gnomAD no frequency). This variant has not been reported in the literature in individuals affected with SLC52A2-related conditions. ClinVar contains an entry for this variant (Variation ID: 1405543). Invitae Evidence Modeling of protein sequence and biophysical properties (such as structural, functional, and spatial information, amino acid conservation, physicochemical variation, residue mobility, and thermodynamic stability) indicates that this missense variant is not expected to disrupt SLC52A2 protein function with a negative predictive value of 95%. In summary, the available evidence is currently insufficient to determine the role of this variant in disease. Therefore, it has been classified as a Variant of Uncertain Significance.